The following is an entry in ClinVar:

ClinVar aggregate classification (germline): Uncertain significance (1 of 4 stars; one submission).

Conditions:
Peroxisome biogenesis disorder. Identifiers: Orphanet 79189, MedGen C1832200, MONDO:0019234. Disease mechanism: loss of function.

Submission:

Labcorp Genetics (formerly Invitae), Labcorp
Classification: Uncertain significance for Peroxisome biogenesis disorder. Last evaluated: 2024-10-26. Review status: criteria provided, single submitter. Criteria: Invitae Variant Classification Sherloc (09022015). Collection method: clinical testing. Allele origin: germline.
Comment: This sequence change falls in intron 5 of the PEX16 gene. It does not directly change the encoded amino acid sequence of the PEX16 protein. It affects a nucleotide within the consensus splice site. This variant is not present in population databases (gnomAD no frequency). This variant has not been reported in the literature in individuals affected with PEX16-related conditions. ClinVar contains an entry for this variant (Variation ID: 2053838). Variants that disrupt the consensus splice site are a relatively common cause of aberrant splicing (PMID: 17576681, 9536098). Algorithms developed to predict the effect of sequence changes on RNA splicing suggest that this variant is not likely to affect RNA splicing. In summary, the available evidence is currently insufficient to determine the role of this variant in disease. Therefore, it has been classified as a Variant of Uncertain Significance.

Literature cited by the submitters: PubMed 17576681; PubMed 9536098.

NM_004813.4(PEX16):c.460+3G>A

Gene: PEX16 (peroxisomal biogenesis factor 16; minus strand). Cytogenetic location: 11p11.2.
Variant type: single nucleotide variant.
Coding change: c.460+3G>A on transcript NM_004813.4 (MANE Select); 3 bases into the intron after coding-DNA position 460, G replaced by A.
Molecular consequence: intron variant.
Genome position (GRCh38, 1-based): chr11:45,915,465, C>T on the plus strand (G>A on the coding strand, the complement: PEX16 is on the minus strand). VCF-style: chr11-45915465-C-T. GRCh37 (hg19) VCF-style: chr11-45937016-C-T.
Other names: c.460+3G>A (NM_057174.3).
Identifiers: ClinVar variation 2053838 (VCV002053838.4), dbSNP rs2494902798, ClinGen allele CA2580084307.
Genomic context (GRCh38, chr11:45,915,465, plus strand): 5'-GATCTAAATCCTCAAGTTAGTCCCATGGCCCATTCCGCTCCAGGGCTTGGGGAAGTAGCT[C>T]ACCCGGGGGCTGTGCCTGGGTCTCTCTGTCCAGTGGAACGATAGGGGGTGAAGTCTGGAG-3'